The following is an entry in ClinVar:

NM_006341.4(MAD2L2):c.629G>T (p.Gly210Val)

Gene: MAD2L2 (mitotic arrest deficient 2 like 2; minus strand). Cytogenetic location: 1p36.22.
Variant type: single nucleotide variant.
Coding change: c.629G>T on transcript NM_006341.4 (MANE Select); coding-DNA position 629, G replaced by T.
Protein change: p.Gly210Val; replaces glycine 210 with valine.
Molecular consequence: missense variant.
Genome position (GRCh38, 1-based): chr1:11,674,782, C>A on the plus strand (G>T on the coding strand, the complement: MAD2L2 is on the minus strand). VCF-style: chr1-11674782-C-A. GRCh37 (hg19) VCF-style: chr1-11734839-C-A.
Other names: c.629G>T, p.Gly210Val (NM_001127325.2); short protein forms G210V.
Identifiers: ClinVar variation 2722098 (VCV002722098.3), dbSNP rs2100704674, ClinGen allele CA338414682.

ClinVar aggregate classification (germline): Uncertain significance (1 of 4 stars; one submission).

Submission:

Labcorp Genetics (formerly Invitae), Labcorp
Classification: Uncertain significance. Last evaluated: 2023-11-27. Review status: criteria provided, single submitter. Criteria: Invitae Variant Classification Sherloc (09022015). Collection method: clinical testing. Allele origin: germline.
Comment: This sequence change replaces glycine, which is neutral and non-polar, with valine, which is neutral and non-polar, at codon 210 of the MAD2L2 protein (p.Gly210Val). This variant is not present in population databases (gnomAD no frequency). This variant has not been reported in the literature in individuals affected with MAD2L2-related conditions. An algorithm developed to predict the effect of missense changes on protein structure and function (PolyPhen-2) suggests that this variant is likely to be tolerated. In summary, the available evidence is currently insufficient to determine the role of this variant in disease. Therefore, it has been classified as a Variant of Uncertain Significance.